The following is an entry in ClinVar:

ClinVar aggregate classification (germline): Conflicting classifications of pathogenicity. Review status: criteria provided, conflicting classifications (1 of 4 stars). 3 submissions from 3 submitters: Uncertain significance (1); Benign (1). 1 of the submissions does not count toward it. Last evaluated 2026-01-31.

Conditions:
Primary ciliary dyskinesia. Also called: Ciliary dyskinesia. Identifiers: Orphanet 244, MedGen C0008780, MONDO:0016575, HP:0012265.
DNAH11-related disorder. Also called: DNAH11-related condition.

Allele frequency attached by ClinVar (database versions not stated): gnomAD exomes 0.00004 and 0.00009; 1000 Genomes Project 30x 0.00016; 1000 Genomes Project 0.00020; ExAC 0.00021; ESP Exome Variant Server 0.00025; gnomAD 0.00036 and 0.00039; TOPMed 0.00044.
gnomAD v4.1: 111 of 1,601,942 alleles (0.0069%); highest among the groups gnomAD compares: African/African-American, 0.12%; no homozygotes.

Submissions (3):

Labcorp Genetics (formerly Invitae), Labcorp
Classification: Benign for Primary ciliary dyskinesia. Last evaluated: 2026-01-31. Review status: criteria provided, single submitter. Criteria: Invitae Variant Classification Sherloc (09022015). Collection method: clinical testing. Allele origin: germline.

Ambry Genetics
Classification: Uncertain significance for Primary ciliary dyskinesia. Last evaluated: 2018-08-17. Review status: criteria provided, single submitter. Criteria: Ambry Variant Classification Scheme 2023. Collection method: clinical testing. Allele origin: germline.
Comment: The p.T1713M variant (also known as c.5138C>T), located in coding exon 30 of the DNAH11 gene, results from a C to T substitution at nucleotide position 5138. The threonine at codon 1713 is replaced by methionine, an amino acid with similar properties. This amino acid position is well conserved in available vertebrate species. In addition, the in silico prediction for this alteration is inconclusive. Since supporting evidence is limited at this time, the clinical significance of this alteration remains unclear.

PreventionGenetics, part of Exact Sciences
Classification: Likely benign for DNAH11-related condition. Last evaluated: 2021-07-30. Review status: no assertion criteria provided. Collection method: clinical testing. Allele origin: germline. Not counted in ClinVar's aggregate classification.
Comment: This variant is classified as likely benign based on ACMG/AMP sequence variant interpretation guidelines (Richards et al. 2015 PMID: 25741868, with internal and published modifications).

NM_001277115.2(DNAH11):c.5138C>T (p.Thr1713Met)

Gene: DNAH11 (dynein axonemal heavy chain 11; plus strand). Cytogenetic location: 7p15.3.
Variant type: single nucleotide variant.
Coding change: c.5138C>T on transcript NM_001277115.2 (MANE Select); coding-DNA position 5138, C replaced by T.
Protein change: p.Thr1713Met; replaces threonine 1713 with methionine.
Molecular consequence: missense variant.
Genome position (GRCh38, 1-based): chr7:21,658,841, C>T. VCF-style: chr7-21658841-C-T. GRCh37 (hg19) VCF-style: chr7-21698459-C-T.
Other names: short protein forms T1713M.
Identifiers: ClinVar variation 525267 (VCV000525267.15), dbSNP rs202034810, ClinGen allele CA4180315.